The following is an entry in ClinVar:

ClinVar aggregate classification (germline): Uncertain significance (1 of 4 stars; one submission).

Conditions:
Ullrich congenital muscular dystrophy 2 (UCMD2). Identifiers: Orphanet 75840, MedGen C4225314, MONDO:0014654, OMIM 616470.
Bethlem myopathy 2 (BTHLM2). Identifiers: Orphanet 536516, Orphanet 610, MedGen C4225313, MONDO:0034022, OMIM 616471.

Allele frequency attached by ClinVar (database versions not stated): gnomAD exomes 0.00001; TOPMed below 0.00001; gnomAD 0.00001.
gnomAD v4.1: 21 of 1,613,728 alleles (0.0013%); highest among the groups gnomAD compares: Non-Finnish European, 0.0017%; no homozygotes.

Submission:

Labcorp Genetics (formerly Invitae), Labcorp
Classification: Uncertain significance for Bethlem myopathy 2; Ullrich congenital muscular dystrophy 2. Last evaluated: 2025-11-24. Review status: criteria provided, single submitter. Criteria: Invitae Variant Classification Sherloc (09022015). Collection method: clinical testing. Allele origin: germline.
Comment: This sequence change replaces glutamine, which is neutral and polar, with arginine, which is basic and polar, at codon 1078 of the COL12A1 protein (p.Gln1078Arg). This variant is present in population databases (no rsID available, gnomAD 0.003%). This variant has not been reported in the literature in individuals affected with COL12A1-related conditions. ClinVar contains an entry for this variant (Variation ID: 2923836). Invitae Evidence Modeling of protein sequence and biophysical properties (such as structural, functional, and spatial information, amino acid conservation, physicochemical variation, residue mobility, and thermodynamic stability) indicates that this missense variant is not expected to disrupt COL12A1 protein function with a negative predictive value of 80%. In summary, the available evidence is currently insufficient to determine the role of this variant in disease. Therefore, it has been classified as a Variant of Uncertain Significance.

NM_004370.6(COL12A1):c.3233A>G (p.Gln1078Arg)

Gene: COL12A1 (collagen type XII alpha 1 chain; minus strand). Cytogenetic location: 6q13.
Variant type: single nucleotide variant.
Coding change: c.3233A>G on transcript NM_004370.6 (MANE Select); coding-DNA position 3233, A replaced by G.
Protein change: p.Gln1078Arg; replaces glutamine 1078 with arginine.
Molecular consequence: missense variant. On other transcripts: intron variant (2).
Genome position (GRCh38, 1-based): chr6:75,156,274, T>C on the plus strand (A>G on the coding strand, the complement: COL12A1 is on the minus strand). VCF-style: chr6-75156274-T-C. GRCh37 (hg19) VCF-style: chr6-75865990-T-C.
Other names: c.3233A>G, p.Gln1078Arg (NM_001424113.1, NM_001424114.1); c.2960A>G, p.Gln987Arg (NM_001424115.1); c.74-3792A>G (NM_001424116.1, NM_080645.3); short protein forms Q1078R, Q987R.
Identifiers: ClinVar variation 2923836 (VCV002923836.3), dbSNP rs928029204, ClinGen allele CA141011990.